The following is an entry in ClinVar:

ClinVar aggregate classification (germline): Conflicting classifications of pathogenicity. Review status: criteria provided, conflicting classifications (1 of 4 stars). 8 submissions from 8 submitters: Pathogenic (2); Likely pathogenic (5); Uncertain significance (1). Last evaluated 2025-12-30.

Conditions:
Refsum disease, classic. Also called: HEREDOPATHIA ATACTICA POLYNEURITIFORMIS; HMSN IV; PHYH-Related Refsum Disease; PHYTANIC ACID OXIDASE DEFICIENCY. Identifiers: Orphanet 773, MedGen C5780941, MONDO:1060256, OMIM 266500. Disease mechanism: loss of function.
PHYH-related disorder. Also called: PHYH-related condition.

Allele frequency attached by ClinVar (database versions not stated): ExAC 0.00002; gnomAD exomes 0.00002 and 0.00003; gnomAD 0.00004; TOPMed 0.00004.

Submissions (8):

Variantyx, Inc.
Classification: Likely pathogenic for Refsum disease, classic. Last evaluated: 2025-12-30. Review status: criteria provided, single submitter. Criteria: Variantyx Assertion Criteria 2022. Collection method: clinical testing. Allele origin: germline. Inheritance: Autosomal recessive inheritance. Affected: no.
Comment: This is a nonsynonymous variant in the PHYH gene (OMIM: 602026). Pathogenic variants in this gene have been associated with autosomal recessive Refsum disease. This variant has been identified in the homozygous or compound heterozygous state in at least 3 individuals reported in the published literature (PMID: 10767344, 32531858) (PM3). Functional studies have shown that this variant alters PHYH protein function (PMID: 10767344, 11555634) (PS3) and multiple computational algorithms predict a deleterious effect for this variant (REVEL score: 0.997) (PP3). This variant has a 0.0040% maximum allele frequency in non-founder control populations (PM2). Based on the current evidence, this variant is classified as likely pathogenic for autosomal recessive Refsum disease.No other variant of clinical significance was identified in the PHYH gene.

Institute of Human Genetics, University of Leipzig Medical Center
Classification: Likely pathogenic for Refsum disease, classic. Last evaluated: 2024-09-17. Review status: criteria provided, single submitter. Criteria: ACMG Guidelines, 2015. Collection method: clinical testing. Allele origin: unknown. Inheritance: Autosomal recessive inheritance. Affected: yes.
Comment: Criteria applied: PS3_MOD,PM2,PM3,PM5,PP4

Labcorp Genetics (formerly Invitae), Labcorp
Classification: Uncertain significance. Last evaluated: 2024-08-31. Review status: criteria provided, single submitter. Criteria: Invitae Variant Classification Sherloc (09022015). Collection method: clinical testing. Allele origin: germline.
Comment: This sequence change replaces aspartic acid, which is acidic and polar, with glycine, which is neutral and non-polar, at codon 177 of the PHYH protein (p.Asp177Gly). This variant is present in population databases (rs770262329, gnomAD 0.004%). This missense change has been observed in individuals with clinical features of Refsum Disease (PMID: 10767344, 32531858). ClinVar contains an entry for this variant (Variation ID: 866618). Invitae Evidence Modeling of protein sequence and biophysical properties (such as structural, functional, and spatial information, amino acid conservation, physicochemical variation, residue mobility, and thermodynamic stability) indicates that this missense variant is expected to disrupt PHYH protein function with a positive predictive value of 80%. Experimental studies have shown that this missense change affects PHYH function (PMID: 10767344, 11555634). In summary, the available evidence is currently insufficient to determine the role of this variant in disease. Therefore, it has been classified as a Variant of Uncertain Significance.

Fulgent Genetics
Classification: Likely pathogenic for Refsum disease, classic. Last evaluated: 2024-05-28. Review status: criteria provided, single submitter. Criteria: ACMG Guidelines, 2015. Collection method: clinical testing. Allele origin: germline.

Baylor Genetics
Classification: Likely pathogenic for Refsum disease, classic. Last evaluated: 2023-12-16. Review status: criteria provided, single submitter. Criteria: ACMG Guidelines, 2015. Collection method: clinical testing. Allele origin: unknown.

Department of Pathology and Laboratory Medicine, Sinai Health System
Classification: Likely pathogenic for Refsum disease, classic. Last evaluated: 2023-04-03. Review status: criteria provided, single submitter. Criteria: ACMG Guidelines, 2015. Collection method: research. Allele origin: germline.

Blueprint Genetics
Classification: Pathogenic for PHYH-related disorders. Last evaluated: 2021-12-14. Review status: criteria provided, single submitter. Criteria: ACMG Guidelines, 2015. Collection method: clinical testing. Allele origin: germline. Affected: yes. Observed: 5 variant alleles.

CeGaT Center for Human Genetics Tuebingen
Classification: Pathogenic. Last evaluated: 2019-07-01. Review status: criteria provided, single submitter. Criteria: CeGaT Center For Human Genetics Tuebingen Variant Classification Criteria Version 2. Collection method: clinical testing. Allele origin: germline. Affected: yes. Observed: 2 variant alleles.

Literature cited by the submitters: PubMed 10767344 (cited by Variantyx, Inc. and Labcorp Genetics (formerly Invitae), Labcorp); PubMed 11555634 (cited by Variantyx, Inc. and Labcorp Genetics (formerly Invitae), Labcorp); PubMed 32531858 (cited by Variantyx, Inc. and Labcorp Genetics (formerly Invitae), Labcorp).

NM_006214.4(PHYH):c.530A>G (p.Asp177Gly)

Gene: PHYH (phytanoyl-CoA 2-hydroxylase; minus strand). Cytogenetic location: 10p13.
Variant type: single nucleotide variant.
Coding change: c.530A>G on transcript NM_006214.4 (MANE Select); coding-DNA position 530, A replaced by G.
Protein change: p.Asp177Gly; replaces aspartic acid 177 with glycine.
Molecular consequence: missense variant. On other transcripts: intron variant (1).
Genome position (GRCh38, 1-based): chr10:13,288,508, T>C on the plus strand (A>G on the coding strand, the complement: PHYH is on the minus strand). VCF-style: chr10-13288508-T-C. GRCh37 (hg19) VCF-style: chr10-13330508-T-C.
Other names: c.230A>G, p.Asp77Gly (NM_001037537.2, NM_001323080.2); c.536A>G, p.Asp179Gly (NM_001323082.2); c.236A>G, p.Asp79Gly (NM_001323084.2); c.415-4669A>G (NM_001323083.2); short protein forms D177G, D179G, D77G, D79G.
Identifiers: ClinVar variation 866618 (VCV000866618.55), dbSNP rs770262329, ClinGen allele CA5412325.